The following is an entry in ClinVar:

NM_004415.4(DSP):c.5108T>A (p.Ile1703Asn)

Gene: DSP (desmoplakin; plus strand). Cytogenetic location: 6p24.3.
Variant type: single nucleotide variant.
Coding change: c.5108T>A on transcript NM_004415.4 (MANE Select); coding-DNA position 5108, T replaced by A.
Protein change: p.Ile1703Asn; replaces isoleucine 1703 with asparagine.
Molecular consequence: missense variant. On other transcripts: intron variant (2).
Genome position (GRCh38, 1-based): chr6:7,581,298, T>A. VCF-style: chr6-7581298-T-A. GRCh37 (hg19) VCF-style: chr6-7581531-T-A.
Other names: c.4050+1058T>A (NM_001319034.2); c.3583-1344T>A (NM_001008844.3); short protein forms I1703N.
Identifiers: ClinVar variation 1745378 (VCV001745378.6), dbSNP rs794728123, ClinGen allele CA004652.

ClinVar aggregate classification (germline): Uncertain significance. Review status: criteria provided, multiple submitters, no conflicts (2 of 4 stars). 3 submissions from 3 submitters: Uncertain significance (3). Last evaluated 2025-05-31.

Conditions:
Cardiovascular phenotype. Identifiers: MedGen CN230736.
Arrhythmogenic cardiomyopathy with wooly hair and keratoderma. Also called: PALMOPLANTAR KERATODERMA WITH LEFT VENTRICULAR CARDIOMYOPATHY AND WOOLLY HAIR; Carvajal syndrome; Dilated cardiomyopathy with woolly hair and keratoderma; Arrhythmogenic cardiomyopathy with woolly hair and keratoderma. Identifiers: Orphanet 65282, MedGen C1854063, MONDO:0011581, OMIM 605676.
Arrhythmogenic right ventricular dysplasia 8 (ARVD8). Also called: Arrhythmogenic Right Ventricular Dysplasia/Cardiomyopathy 8; ARRHYTHMOGENIC RIGHT VENTRICULAR DYSPLASIA, FAMILIAL, 8; ARRHYTHMOGENIC RIGHT VENTRICULAR CARDIOMYOPATHY 8. Identifiers: MedGen C1843896, MONDO:0011831, OMIM 607450.
Cardiomyopathy (CMYO). Also called: Cardiomyopathies. Identifiers: Orphanet 167848, MedGen C0878544, MONDO:0004994, HP:0001638. Inheritance: Various modes of inheritance.

Allele frequency attached by ClinVar (database versions not stated): TOPMed below 0.00001.

Submissions (3):

Color Diagnostics, LLC DBA Color Health
Classification: Uncertain significance for Cardiomyopathy. Last evaluated: 2025-05-31. Review status: criteria provided, single submitter. Criteria: ACMG Guidelines, 2015. Collection method: clinical testing. Allele origin: germline.
Comment: This missense variant replaces isoleucine with asparagine at codon 1703 of the DSP protein. Computational prediction suggests that this variant may not impact protein structure and function. To our knowledge, functional studies have not been reported for this variant. This variant has not been reported in individuals affected with DSP-related disorders in the literature. This variant has not been identified in the general population by the Genome Aggregation Database (gnomAD). The available evidence is insufficient to determine the role of this variant in disease conclusively. Therefore, this variant is classified as a Variant of Uncertain Significance.

Labcorp Genetics (formerly Invitae), Labcorp
Classification: Uncertain significance for Arrhythmogenic cardiomyopathy with wooly hair and keratoderma; Arrhythmogenic right ventricular dysplasia 8. Last evaluated: 2024-08-11. Review status: criteria provided, single submitter. Criteria: Invitae Variant Classification Sherloc (09022015). Collection method: clinical testing. Allele origin: germline.
Comment: This sequence change replaces isoleucine, which is neutral and non-polar, with asparagine, which is neutral and polar, at codon 1703 of the DSP protein (p.Ile1703Asn). This variant is not present in population databases (gnomAD no frequency). This variant has not been reported in the literature in individuals affected with DSP-related conditions. ClinVar contains an entry for this variant (Variation ID: 1745378). An algorithm developed to predict the effect of missense changes on protein structure and function (PolyPhen-2) suggests that this variant is likely to be disruptive. In summary, the available evidence is currently insufficient to determine the role of this variant in disease. Therefore, it has been classified as a Variant of Uncertain Significance.

Ambry Genetics
Classification: Uncertain significance for Cardiovascular phenotype. Last evaluated: 2019-09-21. Review status: criteria provided, single submitter. Criteria: Ambry Variant Classification Scheme 2023. Collection method: clinical testing. Allele origin: germline.
Comment: The p.I1703N variant (also known as c.5108T>A), located in coding exon 23 of the DSP gene, results from a T to A substitution at nucleotide position 5108. The isoleucine at codon 1703 is replaced by asparagine, an amino acid with dissimilar properties. This amino acid position is well conserved in available vertebrate species. In addition, the in silico prediction for this alteration is inconclusive. Since supporting evidence is limited at this time, the clinical significance of this alteration remains unclear.